The following is an entry in ClinVar:

ClinVar aggregate classification (germline): Uncertain significance (1 of 4 stars; one submission).

Conditions:
Hypertrophic cardiomyopathy. Also called: HYPERTROPHIC MYOCARDIOPATHY. Identifiers: Orphanet 217569, MedGen C0007194, MeSH D002312, MONDO:0005045, HP:0001639.

Submission:

Labcorp Genetics (formerly Invitae), Labcorp
Classification: Uncertain significance for Hypertrophic cardiomyopathy. Last evaluated: 2022-09-27. Review status: criteria provided, single submitter. Criteria: Invitae Variant Classification Sherloc (09022015). Collection method: clinical testing. Allele origin: germline.
Comment: This sequence change replaces arginine, which is basic and polar, with tryptophan, which is neutral and slightly polar, at codon 1149 of the MYH7 protein (p.Arg1149Trp). This variant is not present in population databases (gnomAD no frequency). This variant has not been reported in the literature in individuals affected with MYH7-related conditions. ClinVar contains an entry for this variant (Variation ID: 1444875). Advanced modeling of protein sequence and biophysical properties (such as structural, functional, and spatial information, amino acid conservation, physicochemical variation, residue mobility, and thermodynamic stability) performed at Invitae indicates that this missense variant is expected to disrupt MYH7 protein function. In summary, the available evidence is currently insufficient to determine the role of this variant in disease. Therefore, it has been classified as a Variant of Uncertain Significance.

NM_000257.4(MYH7):c.3445C>T (p.Arg1149Trp)

Gene: MYH7 (myosin heavy chain 7; minus strand). Cytogenetic location: 14q11.2.
Variant type: single nucleotide variant.
Coding change: c.3445C>T on transcript NM_000257.4 (MANE Select); coding-DNA position 3445, C replaced by T.
Protein change: p.Arg1149Trp; replaces arginine 1149 with tryptophan.
Molecular consequence: missense variant.
Genome position (GRCh38, 1-based): chr14:23,420,126, G>A on the plus strand (C>T on the coding strand, the complement: MYH7 is on the minus strand). VCF-style: chr14-23420126-G-A. GRCh37 (hg19) VCF-style: chr14-23889335-G-A.
Other names: short protein forms R1149W.
Identifiers: ClinVar variation 1444875 (VCV001444875.8), dbSNP rs2138654363, ClinGen allele CA389043863.